The following is an entry in ClinVar:

ClinVar aggregate classification (germline): Uncertain significance (1 of 4 stars; one submission).

gnomAD v4.1: 24 of 1,498,968 alleles (0.0016%); highest among the groups gnomAD compares: East Asian, 0.0055%; no homozygotes.

Submission:

Ambry Genetics
Classification: Uncertain significance. Last evaluated: 2024-12-12. Review status: criteria provided, single submitter. Criteria: Ambry Variant Classification Scheme 2023. Collection method: clinical testing. Allele origin: germline.
Comment: The p.P94L variant (also known as c.281C>T), located in coding exon 1 of the PALLD gene, results from a C to T substitution at nucleotide position 281. The proline at codon 94 is replaced by leucine, an amino acid with similar properties. This amino acid position is conserved. In addition, the in silico prediction for this alteration is inconclusive. Based on the available evidence, the clinical significance of this variant remains unclear.

NM_001166108.2(PALLD):c.1965-12750C>T

Gene: PALLD (palladin, cytoskeletal associated protein; plus strand). Cytogenetic location: 4q32.3.
Variant type: single nucleotide variant.
Coding change: c.1965-12750C>T on transcript NM_001166108.2 (MANE Select); 12750 bases into the intron before coding-DNA position 1965, C replaced by T.
Molecular consequence: intron variant. On other transcripts: missense variant (1).
Genome position (GRCh38, 1-based): chr4:168,878,172, C>T. VCF-style: chr4-168878172-C-T. GRCh37 (hg19) VCF-style: chr4-169799323-C-T.
Other names: c.281C>T, p.Pro94Leu (NM_001166110.2); c.1965-12750C>T (NM_016081.4); c.819-12750C>T (NM_001166109.2); c.-157-12750C>T (NM_001367570.1, NM_001367568.1, NM_001367567.1 and 1 more transcripts); short protein forms P94L.
Identifiers: ClinVar variation 3885247 (VCV003885247.1).